The following is an entry in ClinVar:

ClinVar aggregate classification (germline): Uncertain significance (1 of 4 stars; one submission).

Submission:

Labcorp Genetics (formerly Invitae), Labcorp
Classification: Uncertain significance. Last evaluated: 2025-10-02. Review status: criteria provided, single submitter. Criteria: Invitae Variant Classification Sherloc (09022015). Collection method: clinical testing. Allele origin: germline.
Comment: This sequence change replaces lysine, which is basic and polar, with asparagine, which is neutral and polar, at codon 25 of the SEC61A1 protein (p.Lys25Asn). This variant also falls at the last nucleotide of exon 2, which is part of the consensus splice site for this exon. This variant is not present in population databases (gnomAD no frequency). This variant has not been reported in the literature in individuals affected with SEC61A1-related conditions. An algorithm developed to predict the effect of missense changes on protein structure and function (PolyPhen-2) suggests that this variant is likely to be tolerated. Variants that disrupt the consensus splice site are a relatively common cause of aberrant splicing (PMID: 17576681, 9536098). In summary, the available evidence is currently insufficient to determine the role of this variant in disease. Therefore, it has been classified as a Variant of Uncertain Significance.

Literature cited by the submitters: PubMed 17576681; PubMed 9536098.

NM_013336.4(SEC61A1):c.75G>T (p.Lys25Asn)

Gene: SEC61A1 (SEC61 translocon subunit alpha 1; plus strand). Cytogenetic location: 3q21.3.
Variant type: single nucleotide variant.
Coding change: c.75G>T on transcript NM_013336.4 (MANE Select); coding-DNA position 75, G replaced by T.
Protein change: p.Lys25Asn; replaces lysine 25 with asparagine.
Molecular consequence: missense variant. On other transcripts: intron variant (1).
Genome position (GRCh38, 1-based): chr3:128,052,902, G>T. VCF-style: chr3-128052902-G-T. GRCh37 (hg19) VCF-style: chr3-127771745-G-T.
Other names: c.93G>T, p.Lys31Asn (NM_001400328.1); c.-85+343G>T (NM_001400329.1); short protein forms K31N, K25N.
Identifiers: ClinVar variation 4773401 (VCV004773401.1).